The following is an entry in ClinVar:

ClinVar aggregate classification (germline): Likely benign. Review status: criteria provided, single submitter (1 of 4 stars). 2 submissions from 2 submitters: Likely benign (1). 1 of the submissions does not count toward it. Last evaluated 2025-11-12.

Conditions:
BRD4-related disorder. Also called: BRD4-related condition.

Allele frequency attached by ClinVar (database versions not stated): ESP Exome Variant Server 0.00008; gnomAD 0.00010 and 0.00013; TOPMed 0.00012; gnomAD exomes 0.00021; ExAC 0.00050.
gnomAD v4.1: 191 of 1,457,830 alleles (0.013%); highest among the groups gnomAD compares: Middle Eastern, 0.13%; 1 homozygote.

Submissions (2):

Labcorp Genetics (formerly Invitae), Labcorp
Classification: Likely benign. Last evaluated: 2025-11-12. Review status: criteria provided, single submitter. Criteria: Invitae Variant Classification Sherloc (09022015). Collection method: clinical testing. Allele origin: germline.

PreventionGenetics, part of Exact Sciences
Classification: Likely benign for BRD4-related condition. Last evaluated: 2019-03-20. Review status: no assertion criteria provided. Collection method: clinical testing. Allele origin: germline. Not counted in ClinVar's aggregate classification.
Comment: This variant is classified as likely benign based on ACMG/AMP sequence variant interpretation guidelines (Richards et al. 2015 PMID: 25741868, with internal and published modifications).

NM_001379291.1(BRD4):c.2811G>A (p.Lys937=)

Gene: BRD4 (bromodomain containing 4; minus strand). Cytogenetic location: 19p13.12.
Variant type: single nucleotide variant.
Coding change: c.2811G>A on transcript NM_001379291.1 (MANE Select); coding-DNA position 2811, G replaced by A.
Protein change: p.Lys937=; no amino-acid change (lysine 937 retained).
Molecular consequence: synonymous variant.
Genome position (GRCh38, 1-based): chr19:15,243,258, C>T on the plus strand (G>A on the coding strand, the complement: BRD4 is on the minus strand). VCF-style: chr19-15243258-C-T. GRCh37 (hg19) VCF-style: chr19-15354069-C-T.
Other names: c.2811G>A, p.Lys937= (NM_058243.3).
Identifiers: ClinVar variation 793016 (VCV000793016.9), dbSNP rs374518582, ClinGen allele CA9264866.